The following is an entry in ClinVar:

ClinVar aggregate classification (germline): Likely benign. Review status: criteria provided, single submitter (1 of 4 stars). 2 submissions from 2 submitters: Likely benign (1). 1 of the submissions does not count toward it. Last evaluated 2022-07-06.

Conditions:
PLXNA2-related disorder. Also called: PLXNA2-related condition.

Allele frequency attached by ClinVar (database versions not stated): gnomAD exomes 0.00002; ExAC 0.00003; gnomAD 0.00005 and 0.00006; TOPMed 0.00006; ESP Exome Variant Server 0.00023.
gnomAD v4.1: 45 of 1,610,308 alleles (0.0028%); highest among the groups gnomAD compares: Middle Eastern, 0.018%; no homozygotes.

Submissions (2):

Labcorp Genetics (formerly Invitae), Labcorp
Classification: Likely benign. Last evaluated: 2022-07-06. Review status: criteria provided, single submitter. Criteria: Invitae Variant Classification Sherloc (09022015). Collection method: clinical testing. Allele origin: germline.

PreventionGenetics, part of Exact Sciences
Classification: Likely benign for PLXNA2-related condition. Last evaluated: 2023-06-16. Review status: no assertion criteria provided. Collection method: clinical testing. Allele origin: germline. Not counted in ClinVar's aggregate classification.
Comment: This variant is classified as likely benign based on ACMG/AMP sequence variant interpretation guidelines (Richards et al. 2015 PMID: 25741868, with internal and published modifications).

NM_025179.4(PLXNA2):c.4884G>A (p.Thr1628=)

Gene: PLXNA2 (plexin A2; minus strand). Cytogenetic location: 1q32.2.
Variant type: single nucleotide variant.
Coding change: c.4884G>A on transcript NM_025179.4 (MANE Select); coding-DNA position 4884, G replaced by A.
Protein change: p.Thr1628=; no amino-acid change (threonine 1628 retained).
Molecular consequence: synonymous variant.
Genome position (GRCh38, 1-based): chr1:208,033,490, C>T on the plus strand (G>A on the coding strand, the complement: PLXNA2 is on the minus strand). VCF-style: chr1-208033490-C-T. GRCh37 (hg19) VCF-style: chr1-208206835-C-T.
Other names: c.4884G>A (NM_025179.3).
Identifiers: ClinVar variation 1622141 (VCV001622141.9), dbSNP rs149381114, ClinGen allele CA1372716.